The following is an entry in ClinVar:

NM_014915.3(ANKRD26):c.-80T>A

Gene: ANKRD26 (ankyrin repeat domain 26; minus strand). Cytogenetic location: 10p12.1.
Variant type: single nucleotide variant.
Coding change: c.-80T>A on transcript NM_014915.3 (MANE Select); 80 bases upstream of the start codon, T replaced by A.
Molecular consequence: 5 prime UTR variant.
Genome position (GRCh38, 1-based): chr10:27,100,406, A>T on the plus strand (T>A on the coding strand, the complement: ANKRD26 is on the minus strand). VCF-style: chr10-27100406-A-T. GRCh37 (hg19) VCF-style: chr10-27389335-A-T.
Other names: c.-80T>A (NM_001256053.2).
Identifiers: ClinVar variation 2035558 (VCV002035558.4), dbSNP rs896931326, ClinGen allele CA2574517245.

ClinVar aggregate classification (germline): Uncertain significance (1 of 4 stars; one submission).

Submission:

Labcorp Genetics (formerly Invitae), Labcorp
Classification: Uncertain significance. Last evaluated: 2022-10-14. Review status: criteria provided, single submitter. Criteria: Invitae Variant Classification Sherloc (09022015). Collection method: clinical testing. Allele origin: germline.
Comment: In summary, the available evidence is currently insufficient to determine the role of this variant in disease. Therefore, it has been classified as a Variant of Uncertain Significance. This variant has not been reported in the literature in individuals affected with ANKRD26-related conditions. This variant is not present in population databases (gnomAD no frequency). This variant occurs in a non-coding region of the ANKRD26 gene. It does not change the encoded amino acid sequence of the ANKRD26 protein.